The following is an entry in ClinVar:

ClinVar aggregate classification (germline): Benign (1 of 4 stars; one submission).

Conditions:
Congenital stationary night blindness autosomal dominant 3. Also called: NIGHT BLINDNESS, CONGENITAL STATIONARY, NOUGARET TYPE. Identifiers: Orphanet 215, MedGen C1864870, MONDO:0012497, OMIM 610444.

Allele frequency attached by ClinVar (database versions not stated): 1000 Genomes Project 30x 0.01171; 1000 Genomes Project 0.01178; gnomAD 0.01485; TOPMed 0.01745.

Submission:

Illumina Laboratory Services, Illumina
Classification: Benign for Congenital stationary night blindness autosomal dominant 3. Last evaluated: 2018-01-12. Review status: criteria provided, single submitter. Criteria: ICSL Variant Classification Criteria 13 December 2019. Collection method: clinical testing. Allele origin: germline.
Comment: This variant was observed in the ICSL laboratory as part of a predisposition screen in an ostensibly healthy population. It had not been previously curated by ICSL or reported in the Human Gene Mutation Database (HGMD: prior to June 1st, 2018), and was therefore a candidate for classification through an automated scoring system. Utilizing variant allele frequency, disease prevalence and penetrance estimates, and inheritance mode, an automated score was calculated to assess if this variant is too frequent to cause the disease. Based on the score and internal cut-off values, a variant classified as benign is not then subjected to further curation. The score for this variant resulted in a classification of benign for this disease.

NM_144499.3(GNAT1):c.*1174G>A

Gene: GNAT1 (G protein subunit alpha transducin 1; plus strand). Cytogenetic location: 3p21.31.
Variant type: single nucleotide variant.
Coding change: c.*1174G>A on transcript NM_144499.3 (MANE Select); 1174 bases downstream of the stop codon, G replaced by A.
Molecular consequence: 3 prime UTR variant.
Genome position (GRCh38, 1-based): chr3:50,196,440, G>A. VCF-style: chr3-50196440-G-A. GRCh37 (hg19) VCF-style: chr3-50233873-G-A.
Other names: c.*40G>A (NM_000172.4).
Identifiers: ClinVar variation 346064 (VCV000346064.5), dbSNP rs114828382, ClinGen allele CA10619094.